The following is an entry in ClinVar:

NM_006493.4(CLN5):c.155_167del (p.His52fs)

Genes: CLN5 (CLN5 lysosomal BMP synthase; plus strand), LOC130009913 (ATAC-STARR-seq lymphoblastoid silent region 5414; plus strand). Cytogenetic location: 13q22.3.
Variant type: Deletion.
Coding change: c.155_167del on transcript NM_006493.4 (MANE Select); coding-DNA positions 155 to 167, 13 bases deleted (ACTGGCCGGTGCC).
Protein change: p.His52fs; shifts the reading frame from histidine 52.
Molecular consequence: frameshift variant.
Genome position (GRCh38, 1-based): chr13:76,992,253-76,992,265, ACTGGCCGGTGCC deleted; deleting any 13 consecutive bases within chr13:76,992,250-76,992,265 gives the same sequence; the c. name uses the placement nearest the transcript's 3' end. VCF-style (leftmost placement, unchanged base first): chr13-76992249-CGCCACTGGCCGGT-C. GRCh37 (hg19) VCF-style: chr13-77566384-CGCCACTGGCCGGT-C.
Other names: c.155_167del13 (NM_006493.4); c.302_314del (LRG_692t1); c.155_167del, p.His52fs (NM_001366624.2); short protein forms H52fs.
Identifiers: ClinVar variation 371261 (VCV000371261.12), dbSNP rs1057517134, ClinGen allele CA16041686.

ClinVar aggregate classification (germline): Pathogenic. Review status: criteria provided, multiple submitters, no conflicts (2 of 4 stars). 3 submissions from 3 submitters: Pathogenic (2). 1 of the submissions does not count toward it. Last evaluated 2024-02-19.

Conditions:
Neuronal ceroid lipofuscinosis. Also called: Neuronal Ceroid Lipofuscinoses. Identifiers: Orphanet 216, Orphanet 79263, MedGen C0027877, MONDO:0016295. Disease mechanism: loss of function.
Neuronal ceroid lipofuscinosis 5 (CLN5). Also called: Neuronal ceroid lipofuscinosis Finnish variant; NEURONAL CEROID LIPOFUSCINOSIS, LATE INFANTILE, FINNISH VARIANT; CLN5-Related Neuronal Ceroid-Lipofuscinosis; CEROID LIPOFUSCINOSIS, NEURONAL, 5, VARIABLE AGE AT ONSET. Identifiers: Orphanet 168491, Orphanet 228360, MedGen C1850442, MONDO:0009745, OMIM 256731.

Submissions (3):

Women's Health and Genetics/Laboratory Corporation of America, LabCorp
Classification: Pathogenic for Neuronal ceroid lipofuscinosis. Last evaluated: 2024-02-19. Review status: criteria provided, single submitter. Criteria: LabCorp Variant Classification Summary - May 2015. Collection method: clinical testing. Allele origin: germline.
Comment: Variant summary: CLN5 c.155_167del13 (p.His52ProfsX58) results in a premature termination codon, predicted to cause a truncation of the encoded protein or absence of the protein due to nonsense mediated decay, which are commonly known mechanisms for disease. The variant allele was found at a frequency of 5.3e-06 in 188676 control chromosomes (gnomAD). The available data on variant occurrences in the general population are insufficient to allow any conclusion about variant significance. To our knowledge, no occurrence of c.155_167del13 in individuals affected with Neuronal Ceroid-Lipofuscinosis (Batten Disease) and no experimental evidence demonstrating its impact on protein function have been reported. ClinVar contains an entry for this variant (Variation ID: 371261). Based on the evidence outlined above, the variant was classified as pathogenic.

Labcorp Genetics (formerly Invitae), Labcorp
Classification: Pathogenic for Neuronal ceroid lipofuscinosis. Last evaluated: 2023-12-20. Review status: criteria provided, single submitter. Criteria: Invitae Variant Classification Sherloc (09022015). Collection method: clinical testing. Allele origin: germline.
Comment: This sequence change creates a premature translational stop signal (p.His101Profs*58) in the CLN5 gene. It is expected to result in an absent or disrupted protein product. Loss-of-function variants in CLN5 are known to be pathogenic (PMID: 20157158). This variant is present in population databases (no rsID available, gnomAD 0.001%). This variant has not been reported in the literature in individuals affected with CLN5-related conditions. ClinVar contains an entry for this variant (Variation ID: 371261). For these reasons, this variant has been classified as Pathogenic.

Counsyl
Classification: Likely pathogenic for Neuronal ceroid lipofuscinosis 5. Last evaluated: 2016-08-09. Review status: no assertion criteria provided. Collection method: clinical testing. Allele origin: unknown. Not counted in ClinVar's aggregate classification.

Literature cited by the submitters: PubMed 20157158 (cited by Labcorp Genetics (formerly Invitae), Labcorp).